The following is an entry in ClinVar:

NM_001165963.4(SCN1A):c.4980_4981del (p.Phe1661fs)

Genes: SCN1A (sodium voltage-gated channel alpha subunit 1; minus strand), LOC102724058 (uncharacterized LOC102724058; plus strand). Cytogenetic location: 2q24.3.
Variant type: Microsatellite.
Coding change: c.4980_4981del on transcript NM_001165963.4 (MANE Select); coding-DNA positions 4980 to 4981, 2 bases deleted (CT; older notation c.4980_4981delCT).
Protein change: p.Phe1661fs; shifts the reading frame from phenylalanine 1661.
Molecular consequence: frameshift variant. On other transcripts: non-coding transcript variant (1).
Genome position (GRCh38, 1-based): chr2:165,992,294-165,992,295, AG deleted on the plus strand (CT on the coding strand, the reverse complement: SCN1A is on the minus strand); deleting any 2 consecutive bases within chr2:165,992,294-165,992,297 gives the same sequence; the c. name uses the placement nearest the transcript's 3' end. VCF-style (leftmost placement, unchanged base first): chr2-165992293-AAG-A. GRCh37 (hg19) VCF-style: chr2-166848803-AAG-A.
Other names: c.4896_4897del, p.Phe1633fs (NM_001165964.3, NM_001353957.2, NM_001353958.2); c.4980_4981del, p.Phe1661fs (NM_001202435.3, NM_001353948.2); c.4947_4948del, p.Phe1650fs (NM_001353949.2, NM_001353950.2, NM_001353951.2 and 2 more transcripts); c.4944_4945del, p.Phe1649fs (NM_001353954.2, NM_001353955.2); c.4893_4894del, p.Phe1632fs (NM_001353960.2); c.2538_2539del, p.Phe847fs (NM_001353961.2); short protein forms F1661fs, F847fs, F1632fs, F1633fs, F1649fs, F1650fs.
Identifiers: ClinVar variation 565536 (VCV000565536.2), dbSNP rs1559105301, ClinGen allele CA891842562.

ClinVar aggregate classification (germline): Pathogenic (1 of 4 stars; one submission).

Conditions:
Developmental and epileptic encephalopathy. Identifiers: MedGen C5779964, MONDO:0100620.

Submission:

Labcorp Genetics (formerly Invitae), Labcorp
Classification: Pathogenic for Early infantile epileptic encephalopathy. Last evaluated: 2018-05-11. Review status: criteria provided, single submitter. Criteria: Invitae Variant Classification Sherloc (09022015). Collection method: clinical testing. Allele origin: germline.
Comment: This sequence change results in a premature translational stop signal in the SCN1A gene (p.Phe1661Cysfs*11). While this is not anticipated to result in nonsense mediated decay, it is expected to disrupt the last 349 amino acids of the SCN1A protein. This variant is not present in population databases (ExAC no frequency). This variant has not been reported in the literature in individuals with SCN1A-related disease. Different truncations (p.Lys1846Serfs*11, p.Arg1886*, p.Ala1919Leufs*13) that lie downstream of this variant have been determined to be pathogenic (PMID: 27465585,Â¬â€ 11359211, 14504318, 21719429, 17054684, 18930999). This suggests that deletion of this region of the SCN1A protein is causative of disease. For these reasons, this variant has been classified as Pathogenic.

Literature cited by the submitters: PubMed 27465585.